The following is an entry in ClinVar:

ClinVar aggregate classification (germline): Likely benign (1 of 4 stars; one submission).

Allele frequency attached by ClinVar (database versions not stated): 1000 Genomes Project 30x 0.00203; 1000 Genomes Project 0.00220; gnomAD 0.00508; ESP Exome Variant Server 0.00548; ExAC 0.00567.
gnomAD v4.1: 4,489 of 778,454 alleles (0.58%); highest among the groups gnomAD compares: Middle Eastern, 0.92%; 20 homozygotes.

Submission:

CeGaT Center for Human Genetics Tuebingen
Classification: Likely benign. Last evaluated: 2022-12-01. Review status: criteria provided, single submitter. Criteria: CeGaT Center For Human Genetics Tuebingen Variant Classification Criteria Version 2. Collection method: clinical testing. Allele origin: germline. Affected: yes. Observed: 2 variant alleles.
Comment: BAHCC1: BP4, BS2

NM_001377448.1(BAHCC1):c.409G>A (p.Val137Met)

Gene: BAHCC1 (BAH domain and coiled-coil containing 1; plus strand). Cytogenetic location: 17q25.3.
Variant type: single nucleotide variant.
Coding change: c.409G>A on transcript NM_001377448.1 (MANE Select); coding-DNA position 409, G replaced by A.
Protein change: p.Val137Met; replaces valine 137 with methionine.
Molecular consequence: missense variant.
Genome position (GRCh38, 1-based): chr17:81,438,420, G>A. VCF-style: chr17-81438420-G-A. GRCh37 (hg19) VCF-style: chr17-79405446-G-A.
Other names: c.409G>A, p.Val137Met (NM_001291324.3); short protein forms V137M.
Identifiers: ClinVar variation 2648447 (VCV002648447.24), dbSNP rs75661873, ClinGen allele CA8833268.